The following is an entry in ClinVar:

ClinVar aggregate classification (germline): Uncertain significance (1 of 4 stars; one submission).

Conditions:
Hypertrophic cardiomyopathy 14. Identifiers: MedGen C2750467, MONDO:0013197, OMIM 613251.

Submission:

Labcorp Genetics (formerly Invitae), Labcorp
Classification: Uncertain significance for Hypertrophic cardiomyopathy 14. Last evaluated: 2025-03-07. Review status: criteria provided, single submitter. Criteria: Invitae Variant Classification Sherloc (09022015). Collection method: clinical testing. Allele origin: germline.
Comment: This sequence change replaces histidine, which is basic and polar, with tyrosine, which is neutral and polar, at codon 693 of the MYH6 protein (p.His693Tyr). This variant is not present in population databases (gnomAD no frequency). This variant has not been reported in the literature in individuals affected with MYH6-related conditions. ClinVar contains an entry for this variant (Variation ID: 1377899). Invitae Evidence Modeling of protein sequence and biophysical properties (such as structural, functional, and spatial information, amino acid conservation, physicochemical variation, residue mobility, and thermodynamic stability) indicates that this missense variant is expected to disrupt MYH6 protein function with a positive predictive value of 80%. In summary, the available evidence is currently insufficient to determine the role of this variant in disease. Therefore, it has been classified as a Variant of Uncertain Significance.

NM_002471.4(MYH6):c.2077C>T (p.His693Tyr)

Gene: MYH6 (myosin heavy chain 6; minus strand). Cytogenetic location: 14q11.2.
Variant type: single nucleotide variant.
Coding change: c.2077C>T on transcript NM_002471.4 (MANE Select); coding-DNA position 2077, C replaced by T.
Protein change: p.His693Tyr; replaces histidine 693 with tyrosine.
Molecular consequence: missense variant.
Genome position (GRCh38, 1-based): chr14:23,397,054, G>A on the plus strand (C>T on the coding strand, the complement: MYH6 is on the minus strand). VCF-style: chr14-23397054-G-A. GRCh37 (hg19) VCF-style: chr14-23866263-G-A.
Other names: short protein forms H693Y.
Identifiers: ClinVar variation 1377899 (VCV001377899.8), dbSNP rs2138604630, ClinGen allele CA389018958.
Genomic context (GRCh38, chr14:23,397,054, plus strand): 5'-TGGGGAAGCCCTTCCTGCAGATGCGGATGCCCTCCAGCACGCCATTGCAGCGCAGCTGGT[G>A]CATGACCAGGGGGTTGTCCATCACCCCTGTGTCAGGAGGGAAGGGGAAAGGGTCAGCCTT-3'
Protein context (NP_002462.2, residues 683-703): PGVMDNPLVM[His693Tyr]QLRCNGVLEG